The following is an entry in ClinVar:

NM_000414.4(HSD17B4):c.2163G>A (p.Met721Ile)

Gene: HSD17B4 (hydroxysteroid 17-beta dehydrogenase 4; plus strand). Cytogenetic location: 5q23.1.
Variant type: single nucleotide variant.
Coding change: c.2163G>A on transcript NM_000414.4 (MANE Select); coding-DNA position 2163, G replaced by A.
Protein change: p.Met721Ile; replaces methionine 721 with isoleucine.
Molecular consequence: missense variant. On other transcripts: non-coding transcript variant (2).
Genome position (GRCh38, 1-based): chr5:119,541,946, G>A. VCF-style: chr5-119541946-G-A. GRCh37 (hg19) VCF-style: chr5-118877641-G-A.
Other names: c.2238G>A, p.Met746Ile (NM_001199291.3); c.2109G>A, p.Met703Ile (NM_001199292.2); c.2091G>A, p.Met697Ile (NM_001292027.2, NM_001374498.1); c.1743G>A, p.Met581Ile (NM_001292028.2); c.2154G>A, p.Met718Ile (NM_001374497.1); c.1836G>A, p.Met612Ile (NM_001374499.1); c.1722G>A, p.Met574Ile (NM_001374500.1); c.1752G>A, p.Met584Ile (NM_001374501.1, NM_001374502.1, NM_001374503.1); short protein forms M584I, M612I, M703I, M746I, M574I, M718I, M581I, M697I.
Identifiers: ClinVar variation 1524743 (VCV001524743.8), dbSNP rs2126934715, ClinGen allele CA360872575.

ClinVar aggregate classification (germline): Uncertain significance (1 of 4 stars; one submission).

Conditions:
Bifunctional peroxisomal enzyme deficiency (DBIF). Also called: DBP DEFICIENCY; PBFE DEFICIENCY; D-bifunctional protein deficiency. Identifiers: Orphanet 300, MedGen C0342870, MONDO:0009855, OMIM 261515. Disease mechanism: loss of function.
Perrault syndrome. Also called: Gonadal dysgenesis with auditory dysfunction, autosomal recessive inheritance. Identifiers: Orphanet 2855, MedGen C0685838, MONDO:0017312.

Allele frequency attached by ClinVar (database versions not stated): gnomAD exomes below 0.00001.
gnomAD v4.1: 1 of 1,613,246 alleles (0.000062%); highest among the groups gnomAD compares: Non-Finnish European, 0.000085%; no homozygotes.

Submission:

Labcorp Genetics (formerly Invitae), Labcorp
Classification: Uncertain significance for Perrault syndrome; Bifunctional peroxisomal enzyme deficiency. Last evaluated: 2021-03-24. Review status: criteria provided, single submitter. Criteria: Invitae Variant Classification Sherloc (09022015). Collection method: clinical testing. Allele origin: germline.
Comment: This sequence change replaces methionine with isoleucine at codon 721 of the HSD17B4 protein (p.Met721Ile). The methionine residue is moderately conserved and there is a small physicochemical difference between methionine and isoleucine. Advanced modeling of protein sequence and biophysical properties (such as structural, functional, and spatial information, amino acid conservation, physicochemical variation, residue mobility, and thermodynamic stability) performed at Invitae indicates that this missense variant is not expected to disrupt HSD17B4 protein function. In summary, the available evidence is currently insufficient to determine the role of this variant in disease. Therefore, it has been classified as a Variant of Uncertain Significance. This variant has not been reported in the literature in individuals with HSD17B4-related conditions. This variant is not present in population databases (ExAC no frequency).